The following is an entry in ClinVar:

ClinVar aggregate classification (germline): Uncertain significance (1 of 4 stars; one submission).

gnomAD v4.1: 2 of 1,612,714 alleles (0.00012%); highest among the groups gnomAD compares: Non-Finnish European, 0.00017%; no homozygotes.

Submission:

Ambry Genetics
Classification: Uncertain significance. Last evaluated: 2024-01-31. Review status: criteria provided, single submitter. Criteria: Ambry Variant Classification Scheme 2023. Collection method: clinical testing. Allele origin: germline.
Comment: The p.I945M variant (also known as c.2835T>G), located in coding exon 23 of the BUB1 gene, results from a T to G substitution at nucleotide position 2835. The isoleucine at codon 945 is replaced by methionine, an amino acid with highly similar properties. This amino acid position is conserved. In addition, the in silico prediction for this alteration is inconclusive. Based on the available evidence, the clinical significance of this alteration remains unclear.

NM_004336.5(BUB1):c.2835T>G (p.Ile945Met)

Gene: BUB1 (BUB1 mitotic checkpoint serine/threonine kinase; minus strand). Cytogenetic location: 2q13.
Variant type: single nucleotide variant.
Coding change: c.2835T>G on transcript NM_004336.5 (MANE Select); coding-DNA position 2835, T replaced by G.
Protein change: p.Ile945Met; replaces isoleucine 945 with methionine.
Molecular consequence: missense variant.
Genome position (GRCh38, 1-based): chr2:110,641,154, A>C on the plus strand (T>G on the coding strand, the complement: BUB1 is on the minus strand). VCF-style: chr2-110641154-A-C. GRCh37 (hg19) VCF-style: chr2-111398731-A-C.
Other names: c.2775T>G, p.Ile925Met (NM_001278616.2); c.2664T>G, p.Ile888Met (NM_001278617.2); short protein forms I888M, I925M, I945M.
Identifiers: ClinVar variation 3224064 (VCV003224064.1), dbSNP rs2467970420, ClinGen allele CA348089193.